The following is an entry in ClinVar:

NM_000051.4(ATM):c.4414_4423del (p.Leu1472fs)

Gene: ATM (ATM serine/threonine kinase; plus strand). Cytogenetic location: 11q22.3.
Variant type: Deletion.
Coding change: c.4414_4423del on transcript NM_000051.4 (MANE Select); coding-DNA positions 4414 to 4423, 10 bases deleted (TTGATTCACT; older notation c.4414_4423delTTGATTCACT).
Protein change: p.Leu1472fs; shifts the reading frame from leucine 1472.
Molecular consequence: frameshift variant.
Genome position (GRCh38, 1-based): chr11:108,289,779-108,289,788, TTGATTCACT deleted; deleting any 10 consecutive bases within chr11:108,289,776-108,289,788 gives the same sequence; the c. name uses the placement nearest the transcript's 3' end. VCF-style (leftmost placement, unchanged base first): chr11-108289775-TACTTTGATTC-T. GRCh37 (hg19) VCF-style: chr11-108160502-TACTTTGATTC-T.
Other names: c.4414_4423del, p.Leu1472fs (NM_001351834.2); short protein forms L1472fs.
Identifiers: ClinVar variation 2679766 (VCV002679766.2), dbSNP rs2546910604, ClinGen allele CA2695198998.

ClinVar aggregate classification (germline): Pathogenic/Likely pathogenic. Review status: criteria provided, multiple submitters, no conflicts (2 of 4 stars). 2 submissions from 2 submitters: Pathogenic (1); Likely pathogenic (1). Last evaluated 2024-01-24.

Conditions:
Familial cancer of breast. Also called: hereditary breast carcinoma; BREAST CANCER, FAMILIAL; Hereditary breast cancer. Identifiers: Orphanet 227535, MedGen C0346153, MONDO:0016419, OMIM 114480. Disease mechanism: loss of function.

Submissions (2):

Myriad Genetics, Inc.
Classification: Pathogenic for Familial cancer of breast. Last evaluated: 2024-01-24. Review status: criteria provided, single submitter. Criteria: Myriad Autosomal Dominant, Autosomal Recessive and X-Linked Classification Criteria (2023). Collection method: clinical testing. Allele origin: unknown.
Comment: This variant is considered pathogenic. This variant creates a frameshift predicted to result in premature protein truncation.

Baylor Genetics
Classification: Likely pathogenic for Familial cancer of breast. Last evaluated: 2022-09-27. Review status: criteria provided, single submitter. Criteria: ACMG Guidelines, 2015. Collection method: clinical testing. Allele origin: unknown.